The following is an entry in ClinVar:

NM_018060.4(IARS2):c.1027A>G (p.Thr343Ala)

Gene: IARS2 (isoleucyl-tRNA synthetase 2, mitochondrial; plus strand). Cytogenetic location: 1q41.
Variant type: single nucleotide variant.
Coding change: c.1027A>G on transcript NM_018060.4 (MANE Select); coding-DNA position 1027, A replaced by G.
Protein change: p.Thr343Ala; replaces threonine 343 with alanine.
Molecular consequence: missense variant.
Genome position (GRCh38, 1-based): chr1:220,103,523, A>G. VCF-style: chr1-220103523-A-G. GRCh37 (hg19) VCF-style: chr1-220276865-A-G.
Other names: c.1027A>G (NM_018060.3); short protein forms T343A.
Identifiers: ClinVar variation 1501016 (VCV001501016.6), dbSNP rs371011410, ClinGen allele CA1401283.
Genomic context (GRCh38, chr1:220,103,523, plus strand): 5'-TGTTCTAAGTCTGGAGACCTCTACGTACTGGCGGCAGATAAAGTAGCATCTGTTGCTTCT[A>G]CTTTGGAAACAACATTTGAGACTATTTCAACACTTTCAGGTGAAGATTTTTAGATATCTG-3'
Protein context (NP_060530.3, residues 333-353): AADKVASVAS[Thr343Ala]LETTFETIST

ClinVar aggregate classification (germline): Conflicting classifications of pathogenicity. Review status: criteria provided, conflicting classifications (1 of 4 stars). 3 submissions from 3 submitters: Uncertain significance (2); Likely benign (1). Last evaluated 2025-08-21.

Conditions:
Inborn genetic diseases. Identifiers: MedGen C0950123, MeSH D030342.

Allele frequency attached by ClinVar (database versions not stated): gnomAD 0.00001; gnomAD exomes 0.00002; TOPMed 0.00003; ESP Exome Variant Server 0.00008.
gnomAD v4.1: 27 of 1,613,238 alleles (0.0017%); highest among the groups gnomAD compares: Admixed American, 0.012%; no homozygotes.

Submissions (3):

Labcorp Genetics (formerly Invitae), Labcorp
Classification: Uncertain significance. Last evaluated: 2025-08-21. Review status: criteria provided, single submitter. Criteria: Invitae Variant Classification Sherloc (09022015). Collection method: clinical testing. Allele origin: germline.
Comment: This sequence change replaces threonine, which is neutral and polar, with alanine, which is neutral and non-polar, at codon 343 of the IARS2 protein (p.Thr343Ala). This variant is present in population databases (rs371011410, gnomAD 0.01%). This variant has not been reported in the literature in individuals affected with IARS2-related conditions. ClinVar contains an entry for this variant (Variation ID: 1501016). An algorithm developed to predict the effect of missense changes on protein structure and function outputs the following: PolyPhen-2: "Benign". The alanine amino acid residue is found in multiple mammalian species, which suggests that this missense change does not adversely affect protein function. In summary, the available evidence is currently insufficient to determine the role of this variant in disease. Therefore, it has been classified as a Variant of Uncertain Significance.

GeneDx
Classification: Uncertain significance. Last evaluated: 2024-08-16. Review status: criteria provided, single submitter. Criteria: GeneDx Variant Classification Process June 2021. Collection method: clinical testing. Allele origin: germline. Affected: yes.
Comment: In silico analysis indicates that this missense variant does not alter protein structure/function; Has not been previously published as pathogenic or benign to our knowledge

Ambry Genetics
Classification: Likely benign for Inborn genetic diseases. Last evaluated: 2022-04-12. Review status: criteria provided, single submitter. Criteria: Ambry Variant Classification Scheme 2023. Collection method: clinical testing. Allele origin: germline.